The following is an entry in ClinVar:

ClinVar aggregate classification (germline): Pathogenic (1 of 4 stars; one submission).

Submission:

Labcorp Genetics (formerly Invitae), Labcorp
Classification: Pathogenic. Last evaluated: 2021-10-04. Review status: criteria provided, single submitter. Criteria: Invitae Variant Classification Sherloc (09022015). Collection method: clinical testing. Allele origin: germline.
Comment: For these reasons, this variant has been classified as Pathogenic. This variant has not been reported in the literature in individuals affected with RETREG1-related conditions. This variant is not present in population databases (ExAC no frequency). This sequence change creates a premature translational stop signal (p.Leu138*) in the RETREG1 gene. It is expected to result in an absent or disrupted protein product. Loss-of-function variants in RETREG1 are known to be pathogenic (PMID: 19838196).

Literature cited by the submitters: PubMed 19838196.

NM_001034850.3(RETREG1):c.413T>A (p.Leu138Ter)

Gene: RETREG1 (reticulophagy regulator 1; minus strand). Cytogenetic location: 5p15.1.
Variant type: single nucleotide variant.
Coding change: c.413T>A on transcript NM_001034850.3 (MANE Select); coding-DNA position 413, T replaced by A.
Protein change: p.Leu138Ter; replaces leucine 138 with a stop codon.
Molecular consequence: nonsense.
Genome position (GRCh38, 1-based): chr5:16,572,010, A>T on the plus strand (T>A on the coding strand, the complement: RETREG1 is on the minus strand). VCF-style: chr5-16572010-A-T. GRCh37 (hg19) VCF-style: chr5-16572119-A-T.
Other names: short protein forms L138*.
Identifiers: ClinVar variation 1458855 (VCV001458855.6), dbSNP rs2126633452, ClinGen allele CA359292343.